The following is an entry in ClinVar:

NM_000059.4(BRCA2):c.6626_6627dup (p.Glu2210Ter)

Gene: BRCA2 (BRCA2 DNA repair associated; plus strand). Cytogenetic location: 13q13.1.
Variant type: Microsatellite.
Coding change: c.6626_6627dup on transcript NM_000059.4 (MANE Select); coding-DNA positions 6626 to 6627, 2 bases duplicated (TA; older notation c.6626_6627dupTA).
Protein change: p.Glu2210Ter; replaces glutamic acid 2210 with a stop codon.
Molecular consequence: nonsense.
Genome position (GRCh38, 1-based): chr13:32,340,981-32,340,982, TA duplicated; duplicating any 2 consecutive bases within chr13:32,340,978-32,340,982 gives the same sequence; the c. name uses the placement nearest the transcript's 3' end. VCF-style (leftmost placement, unchanged base first): chr13-32340977-A-AAT. GRCh37 (hg19) VCF-style: chr13-32915114-A-AAT.
Other names: 6855insTA; c.6626_6627dupTA (NM_000059.3); short protein forms E2210*.
Identifiers: ClinVar variation 91454 (VCV000091454.6), dbSNP rs80359610, ClinGen allele CA024224.

ClinVar aggregate classification (germline): Pathogenic. Review status: reviewed by expert panel (3 of 4 stars). 5 submissions from 5 submitters: Pathogenic (1). 4 of the submissions do not count toward it. Last evaluated 2016-09-08.

Conditions:
Hereditary cancer-predisposing syndrome. Also called: Tumor predisposition; Hereditary Cancer Syndrome; Neoplastic Syndromes, Hereditary; Hereditary neoplastic syndrome. Identifiers: Orphanet 140162, MedGen C0027672, MeSH D009386, MONDO:0015356.
Hereditary breast ovarian cancer syndrome. Also called: Breast and ovarian cancer; Hereditary breast and ovarian cancer; Hereditary breast and ovarian cancer syndrome; BRCA1- and BRCA2-Associated Hereditary Breast and Ovarian Cancer; Hereditary breast and ovarian cancer syndrome (HBOC); Hereditary breast and/or ovarian cancer syndrome. Identifiers: Orphanet 145, MedGen C0677776, MeSH D061325, MONDO:0003582. Disease mechanism: loss of function.
Breast-ovarian cancer, familial, susceptibility to, 2 (BROVCA2). Also called: BRCA2 Hereditary Breast and Ovarian Cancer. Identifiers: Orphanet 145, MedGen C2675520, MONDO:0012933, OMIM 612555. Disease mechanism: loss of function.

Submissions (5):

Evidence-based Network for the Interpretation of Germline Mutant Alleles (ENIGMA)
Classification: Pathogenic for Breast-ovarian cancer, familial, susceptibility to, 2. Last evaluated: 2016-09-08. Review status: reviewed by expert panel. Criteria: ENIGMA BRCA1/2 Classification Criteria (2015). Collection method: curation. Allele origin: germline.
Comment: Variant allele predicted to encode a truncated non-functional protein.

Ambry Genetics
Classification: Pathogenic for Hereditary cancer-predisposing syndrome. Last evaluated: 2022-02-22. Review status: criteria provided, single submitter. Criteria: Ambry Variant Classification Scheme 2023. Collection method: clinical testing. Allele origin: germline. Not counted in ClinVar's aggregate classification.
Comment: The c.6626_6627dupTA pathogenic mutation, located in coding exon 10 of the BRCA2 gene, results from a duplication of TA at nucleotide position 6626, causing a translational frameshift with a predicted alternate stop codon (p.E2210*). This variant is considered to be rare based on population cohorts in the Genome Aggregation Database (gnomAD). This alteration is expected to result in loss of function by premature protein truncation or nonsense-mediated mRNA decay. As such, this alteration is interpreted as a disease-causing mutation.

Women's Health and Genetics/Laboratory Corporation of America, LabCorp
Classification: Likely pathogenic for Hereditary breast and ovarian cancer syndrome. Last evaluated: 2019-02-01. Review status: criteria provided, single submitter. Criteria: LabCorp Variant Classification Summary - May 2015. Collection method: clinical testing. Allele origin: germline. Not counted in ClinVar's aggregate classification.
Comment: Variant summary: The variant, BRCA2 c.6626_6627dupTA (p.Glu2210X) results in a premature termination codon, predicted to cause a truncation of the encoded protein or absence of the protein due to nonsense mediated decay, which are commonly known mechanisms for disease. Truncations downstream of this position have been classified as pathogenic by our laboratory (eg. c.6634_6637delTGTT(p.Cys2212fsX16), c.6643delT(p.Tyr2215fsX14)). The variant was absent in 239846 control chromosomes (gnomAD). To our knowledge, no occurrence of c.6626_6627dupTA in individuals affected with Hereditary Breast and Ovarian Cancer and no experimental evidence demonstrating its impact on protein function have been reported in the literature. Two clinical diagnostic laboratories have submitted clinical-significance assessments for this variant to ClinVar after 2014 without evidence for independent evaluation. All laboratories classified the variant as pathogenic. Based on the evidence outlined above, the variant was classified as likely pathogenic.

Consortium of Investigators of Modifiers of BRCA1/2 (CIMBA), c/o University of Cambridge
Classification: Pathogenic for Breast-ovarian cancer, familial, susceptibility to, 2. Last evaluated: 2015-10-02. Review status: criteria provided, single submitter. Criteria: CIMBA Mutation Classification guidelines May 2016. Collection method: clinical testing. Allele origin: germline. Not counted in ClinVar's aggregate classification.

Sharing Clinical Reports Project (SCRP)
Classification: Pathogenic for Breast-ovarian cancer, familial 2. Last evaluated: 2008-05-06. Review status: no assertion criteria provided. Collection method: clinical testing. Allele origin: germline. Not counted in ClinVar's aggregate classification.